The following is an entry in ClinVar:

ClinVar aggregate classification (germline): Uncertain significance. Review status: criteria provided, multiple submitters, no conflicts (2 of 4 stars). 6 submissions from 6 submitters: Uncertain significance (6). Last evaluated 2026-07-02.

Conditions:
Autosomal recessive polycystic kidney disease (ARPKD). Also called: AR polycystic kidney disease. Identifiers: Orphanet 731, Orphanet 8378, MedGen C0085548, MeSH D017044, MONDO:0009889.
Inborn genetic diseases. Identifiers: MedGen C0950123, MeSH D030342.
PKHD1-related disorder. Also called: PKHD1-related condition.
Polycystic kidney disease 4 (PKD4). Also called: POLYCYSTIC KIDNEY DISEASE 4 WITH OR WITHOUT POLYCYSTIC LIVER DISEASE; Autosomal Recessive Polycystic Kidney Disease – PKHD1; PKD3; POLYCYSTIC KIDNEY AND HEPATIC DISEASE 1; POLYCYSTIC KIDNEY DISEASE, INFANTILE, TYPE I. Identifiers: MedGen C4540575, MONDO:0033004, OMIM 263200.

Allele frequency attached by ClinVar (database versions not stated): gnomAD exomes 0.00001 and 0.00003; ExAC 0.00002; ESP Exome Variant Server 0.00008; gnomAD 0.00011; TOPMed 0.00011; 1000 Genomes Project 30x 0.00031; 1000 Genomes Project 0.00040.
gnomAD v4.1: 25 of 1,614,134 alleles (0.0015%); highest among the groups gnomAD compares: African/African-American, 0.028%; no homozygotes.

Submissions (6):

PreventionGenetics, part of Exact Sciences
Classification: Uncertain significance for PKHD1-related condition. Last evaluated: 2026-07-02. Review status: criteria provided, single submitter. Criteria: ACMG Guidelines, 2015. Collection method: clinical testing. Allele origin: germline.
Comment: The PKHD1 c.5266T>C variant is predicted to result in the amino acid substitution p.Phe1756Leu. To our knowledge, this variant has not been reported in the literature. This variant is reported in 0.040% of alleles in individuals of African descent in gnomAD. At this time, the clinical significance of this variant is uncertain due to the absence of conclusive functional and genetic evidence.

Ambry Genetics
Classification: Uncertain significance for Inborn genetic diseases. Last evaluated: 2025-08-05. Review status: criteria provided, single submitter. Criteria: Ambry Variant Classification Scheme 2023. Collection method: clinical testing. Allele origin: germline.

Fulgent Genetics
Classification: Uncertain significance for Polycystic kidney disease 4. Last evaluated: 2024-04-22. Review status: criteria provided, single submitter. Criteria: ACMG Guidelines, 2015. Collection method: clinical testing. Allele origin: germline.

GeneDx
Classification: Uncertain significance. Last evaluated: 2023-12-20. Review status: criteria provided, single submitter. Criteria: GeneDx Variant Classification Process June 2021. Collection method: clinical testing. Allele origin: germline.
Comment: In silico analysis supports that this missense variant does not alter protein structure/function; Has not been previously published as pathogenic or benign to our knowledge

Labcorp Genetics (formerly Invitae), Labcorp
Classification: Uncertain significance for Autosomal recessive polycystic kidney disease. Last evaluated: 2022-07-06. Review status: criteria provided, single submitter. Criteria: Invitae Variant Classification Sherloc (09022015). Collection method: clinical testing. Allele origin: germline.
Comment: This sequence change replaces phenylalanine, which is neutral and non-polar, with leucine, which is neutral and non-polar, at codon 1756 of the PKHD1 protein (p.Phe1756Leu). This variant is present in population databases (rs368467585, gnomAD 0.04%). This variant has not been reported in the literature in individuals affected with PKHD1-related conditions. ClinVar contains an entry for this variant (Variation ID: 595889). Advanced modeling of protein sequence and biophysical properties (such as structural, functional, and spatial information, amino acid conservation, physicochemical variation, residue mobility, and thermodynamic stability) performed at Invitae indicates that this missense variant is not expected to disrupt PKHD1 protein function. In summary, the available evidence is currently insufficient to determine the role of this variant in disease. Therefore, it has been classified as a Variant of Uncertain Significance.

Eurofins Ntd Llc (ga)
Classification: Uncertain significance. Last evaluated: 2018-01-26. Review status: criteria provided, single submitter. Criteria: EGL Classification Definitions 2015. Collection method: clinical testing. Allele origin: germline. Observed: 1 variant allele, 1 heterozygote.

NM_138694.4(PKHD1):c.5266T>C (p.Phe1756Leu)

Gene: PKHD1 (PKHD1 ciliary IPT domain containing fibrocystin/polyductin; minus strand). Cytogenetic location: 6p12.2.
Variant type: single nucleotide variant.
Coding change: c.5266T>C on transcript NM_138694.4 (MANE Select); coding-DNA position 5266, T replaced by C.
Protein change: p.Phe1756Leu; replaces phenylalanine 1756 with leucine.
Molecular consequence: missense variant.
Genome position (GRCh38, 1-based): chr6:52,022,915, A>G on the plus strand (T>C on the coding strand, the complement: PKHD1 is on the minus strand). VCF-style: chr6-52022915-A-G. GRCh37 (hg19) VCF-style: chr6-51887713-A-G.
Other names: c.5266T>C, p.Phe1756Leu (NM_170724.3); short protein forms F1756L.
Identifiers: ClinVar variation 595889 (VCV000595889.11), dbSNP rs368467585, ClinGen allele CA3852550.